The following is an entry in ClinVar:

NM_177924.5(ASAH1):c.833C>T (p.Pro278Leu)

Gene: ASAH1 (N-acylsphingosine amidohydrolase 1; minus strand). Cytogenetic location: 8p22.
Variant type: single nucleotide variant.
Coding change: c.833C>T on transcript NM_177924.5 (MANE Select); coding-DNA position 833, C replaced by T.
Protein change: p.Pro278Leu; replaces proline 278 with leucine.
Molecular consequence: missense variant.
Genome position (GRCh38, 1-based): chr8:18,059,656, G>A on the plus strand (C>T on the coding strand, the complement: ASAH1 is on the minus strand). VCF-style: chr8-18059656-G-A. GRCh37 (hg19) VCF-style: chr8-17917165-G-A.
Other names: c.815C>T, p.Pro272Leu (NM_001127505.3); c.638C>T, p.Pro213Leu (NM_001363743.2); c.881C>T, p.Pro294Leu (NM_004315.6); short protein forms P272L, P213L, P278L, P294L.
Identifiers: ClinVar variation 812493 (VCV000812493.1), dbSNP rs895669204, ClinGen allele CA370428191.

ClinVar aggregate classification (germline): Likely pathogenic (1 of 4 stars; one submission).

Conditions:
Farber lipogranulomatosis (FRBRL). Also called: AC DEFICIENCY; ACID CERAMIDASE DEFICIENCY; CERAMIDASE DEFICIENCY; N-LAURYLSPHINGOSINE DEACYLASE DEFICIENCY; Farber's lipogranulomatosis; Farber's disease. Identifiers: Orphanet 333, MedGen C0268255, MONDO:0009218, OMIM 228000.

Submission:

Medical Affairs, Dicerna Pharmaceuticals
Classification: Likely pathogenic for Farber lipogranulomatosis. Last evaluated: 2019-06-19. Review status: criteria provided, single submitter. Criteria: ACMG Guidelines, 2015. Collection method: literature only. Allele origin: unknown. Inheritance: Autosomal recessive inheritance. Affected: yes. Observed: 3 variant alleles. Clinical features observed: numerous inflammatory granulomas, restricted mobility.
Comment: Variant c.833C>T is likely pathogenic based on the following rationale. Variant c.833C>T has been identified in 3 patients diagnosed with Farber disease. Ehlert et al., 2017, DOI: 10.1002/jimd.12043, reports 2 siblings diagnosed with severe Farber disease consistent with Type 1 Farber disease described in Gene Reviews. Subcutaneous nodules resolved in both patients post-transplant. Additionally, a third patient from an unrelated family was described in Levade et al., DOI: 10.1036/ommbid.173, adding to the clinical significance of this variant. The number of patients diagnosed with Farber disease from unrelated families with Farber disease and the patient's response to treatment discussed in the Ehlert et al., 2017 publication supports the clinical significance of likely pathogenic.

ASAH1 sequence analysis of this patient revealed homozygous P278L (c.833C>T) variants in two siblings discussed in Ehlert et al., 2017, and Levade et al., DOI: 10.1036/ommbid.173.

Literature cited by the submitters: DOI 10.1002/jimd.12043.